The following is an entry in ClinVar:

NM_000540.3(RYR1):c.11100G>T (p.Gln3700His)

Gene: RYR1 (ryanodine receptor 1; plus strand). Cytogenetic location: 19q13.2.
Variant type: single nucleotide variant.
Coding change: c.11100G>T on transcript NM_000540.3 (MANE Select); coding-DNA position 11100, G replaced by T.
Protein change: p.Gln3700His; replaces glutamine 3700 with histidine.
Molecular consequence: missense variant.
Genome position (GRCh38, 1-based): chr19:38,529,016, G>T. VCF-style: chr19-38529016-G-T. GRCh37 (hg19) VCF-style: chr19-39019656-G-T.
Other names: c.11085G>T, p.Gln3695His (NM_001042723.2); short protein forms Q3695H, Q3700H.
Identifiers: ClinVar variation 2770808 (VCV002770808.4), dbSNP rs1363894115, ClinGen allele CA405650281.

ClinVar aggregate classification (germline): Uncertain significance. Review status: criteria provided, multiple submitters, no conflicts (2 of 4 stars). 2 submissions from 2 submitters: Uncertain significance (2). Last evaluated 2023-07-07.

Conditions:
RYR1-related disorder. Also called: RYR1-related condition; RYR1-related disorders. Identifiers: MedGen CN239331.

Allele frequency attached by ClinVar (database versions not stated): TOPMed 0.00001.

Submissions (2):

Labcorp Genetics (formerly Invitae), Labcorp
Classification: Uncertain significance for RYR1-related disorder. Last evaluated: 2023-07-07. Review status: criteria provided, single submitter. Criteria: Invitae Variant Classification Sherloc (09022015). Collection method: clinical testing. Allele origin: germline.
Comment: This sequence change replaces glutamine, which is neutral and polar, with histidine, which is basic and polar, at codon 3700 of the RYR1 protein (p.Gln3700His). In summary, the available evidence is currently insufficient to determine the role of this variant in disease. Therefore, it has been classified as a Variant of Uncertain Significance. Advanced modeling of protein sequence and biophysical properties (such as structural, functional, and spatial information, amino acid conservation, physicochemical variation, residue mobility, and thermodynamic stability) performed at Invitae indicates that this missense variant is expected to disrupt RYR1 protein function. This variant has not been reported in the literature in individuals affected with RYR1-related conditions. This variant is not present in population databases (gnomAD no frequency).

GeneDx
Classification: Uncertain significance. Last evaluated: 2023-06-21. Review status: criteria provided, single submitter. Criteria: GeneDx Variant Classification Process June 2021. Collection method: clinical testing. Allele origin: germline. Affected: yes.
Comment: Has not been previously published as pathogenic or benign to our knowledge; Not observed at significant frequency in large population cohorts (gnomAD); In silico analysis supports that this missense variant has a deleterious effect on protein structure/function